The following is an entry in ClinVar:

ClinVar aggregate classification (germline): Pathogenic/Likely pathogenic. Review status: criteria provided, multiple submitters, no conflicts (2 of 4 stars). 2 submissions from 2 submitters: Pathogenic (1); Likely pathogenic (1). Last evaluated 2024-11-25.

Conditions:
ZNF292-related disorder. Also called: ZNF292-related condition.

Submissions (2):

Blueprint Genetics
Classification: Likely pathogenic for ZNF292-related disorders. Last evaluated: 2024-11-25. Review status: criteria provided, single submitter. Criteria: ACMG Guidelines, 2015. Collection method: clinical testing. Allele origin: germline. Affected: yes. Observed: 1 variant allele.

GeneDx
Classification: Pathogenic. Last evaluated: 2024-10-21. Review status: criteria provided, single submitter. Criteria: GeneDx Variant Classification Process June 2021. Collection method: clinical testing. Allele origin: germline. Affected: yes.
Comment: Frameshift variant predicted to result in abnormal protein length as the last 1019 amino acid(s) are replaced with 5 different amino acid(s), and other similar variants have been reported in HGMD; Not observed at significant frequency in large population cohorts (gnomAD); Has not been previously reported as pathogenic or benign in association with ZNF292-related disorder to our knowledge; This variant is associated with the following publications: (PMID: 36475376)

NM_015021.3(ZNF292):c.5112_5113del (p.Asn1705fs)

Gene: ZNF292 (zinc finger protein 292; plus strand). Cytogenetic location: 6q14.3.
Variant type: Microsatellite.
Coding change: c.5112_5113del on transcript NM_015021.3 (MANE Select); coding-DNA positions 5112 to 5113, 2 bases deleted (GA; older notation c.5112_5113delGA).
Protein change: p.Asn1705fs; shifts the reading frame from asparagine 1705.
Molecular consequence: frameshift variant.
Genome position (GRCh38, 1-based): chr6:87,258,741-87,258,742, GA deleted; deleting any 2 consecutive bases within chr6:87,258,738-87,258,742 gives the same sequence; the c. name uses the placement nearest the transcript's 3' end. VCF-style (leftmost placement, unchanged base first): chr6-87258737-AAG-A. GRCh37 (hg19) VCF-style: chr6-87968455-AAG-A.
Other names: c.4692_4693del, p.Asn1565fs (NM_001351444.2); short protein forms N1565fs, N1705fs.
Identifiers: ClinVar variation 3781053 (VCV003781053.2).